The following is an entry in ClinVar:

NM_000138.5(FBN1):c.1468+24C>T

Gene: FBN1 (fibrillin 1; minus strand). Cytogenetic location: 15q21.1.
Variant type: single nucleotide variant.
Coding change: c.1468+24C>T on transcript NM_000138.5 (MANE Select); 24 bases into the intron after coding-DNA position 1468, C replaced by T.
Molecular consequence: intron variant.
Genome position (GRCh38, 1-based): chr15:48,515,363, G>A on the plus strand (C>T on the coding strand, the complement: FBN1 is on the minus strand). VCF-style: chr15-48515363-G-A. GRCh37 (hg19) VCF-style: chr15-48807560-G-A.
Other names: c.1468+24C>T (NM_001406716.1).
Identifiers: ClinVar variation 3769621 (VCV003769621.1).
Genomic context (GRCh38, chr15:48,515,363, plus strand): 5'-GTTACAGCAGCAATAGAAAACCAGTAGAGTCAAGGAACAGAATTACAACAGACCCTTGGT[G>A]CCAACCTAGGATGGATCACGTACCAATACACTCCCCACGGAGGTCCAGCTGGAACCCTTT-3'

ClinVar aggregate classification (germline): Uncertain significance (1 of 4 stars; one submission).

Conditions:
Marfan syndrome (MFS). Also called: MARFAN SYNDROME, TYPE I; Marfan syndrome type 1; Marfan's syndrome; Marfan syndrome, classic; FBN1-Related Marfan Syndrome. Identifiers: Orphanet 284963, Orphanet 558, MedGen C0024796, MONDO:0007947, OMIM 154700.

gnomAD v4.1: 7 of 1,613,362 alleles (0.00043%); highest among the groups gnomAD compares: South Asian, 0.0077%; no homozygotes.

Submission:

Clinical and Biomedical Sciences, University of Exeter
Classification: Uncertain significance for Marfan syndrome. Last evaluated: 2025-02-28. Review status: criteria provided, single submitter. Criteria: ACMG Guidelines, 2015. Collection method: research. Allele origin: germline. Affected: yes. Study: 100,000 Genomes Project.
Comment: Predicted 18bp exon extension would include a stop codon.